The following is an entry in ClinVar:

ClinVar aggregate classification (germline): Uncertain significance (1 of 4 stars; one submission).

Conditions:
SEMA3F-related disorder. Also called: SEMA3F-related condition.

gnomAD v4.1: 5 of 1,613,470 alleles (0.00031%); highest among the groups gnomAD compares: Non-Finnish European, 0.00042%; no homozygotes.

Submission:

PreventionGenetics, part of Exact Sciences
Classification: Uncertain significance for SEMA3F-related condition. Last evaluated: 2026-02-09. Review status: criteria provided, single submitter. Criteria: ACMG Guidelines, 2015. Collection method: clinical testing. Allele origin: germline.
Comment: The SEMA3F c.746A>G variant is predicted to result in the amino acid substitution p.Asn249Ser. To our knowledge, this variant has not been reported in the literature. This variant is reported in 0.00088% of alleles in individuals of European (Non-Finnish) descent in gnomAD. At this time, the clinical significance of this variant is uncertain due to the absence of conclusive functional and genetic evidence.

NM_004186.5(SEMA3F):c.746A>G (p.Asn249Ser)

Gene: SEMA3F (semaphorin 3F; plus strand). Cytogenetic location: 3p21.31.
Variant type: single nucleotide variant.
Coding change: c.746A>G on transcript NM_004186.5 (MANE Select); coding-DNA position 746, A replaced by G.
Protein change: p.Asn249Ser; replaces asparagine 249 with serine.
Molecular consequence: missense variant.
Genome position (GRCh38, 1-based): chr3:50,182,386, A>G. VCF-style: chr3-50182386-A-G. GRCh37 (hg19) VCF-style: chr3-50219819-A-G.
Other names: c.449A>G, p.Asn150Ser (NM_001318798.2); c.653A>G, p.Asn218Ser (NM_001318800.2); short protein forms N150S, N218S, N249S.
Identifiers: ClinVar variation 4983846 (VCV004983846.1).